The following is an entry in ClinVar:

ClinVar aggregate classification (germline): Uncertain significance. Review status: criteria provided, multiple submitters, no conflicts (2 of 4 stars). 2 submissions from 2 submitters: Uncertain significance (2). Last evaluated 2025-11-03.

gnomAD v4.1: 113 of 765,078 alleles (0.015%); highest among the groups gnomAD compares: Non-Finnish European, 0.018%; no homozygotes.

Submissions (2):

Labcorp Genetics (formerly Invitae), Labcorp
Classification: Uncertain significance. Last evaluated: 2025-11-03. Review status: criteria provided, single submitter. Criteria: Invitae Variant Classification Sherloc (09022015). Collection method: clinical testing. Allele origin: germline.
Comment: This variant occurs in the SNORD118 gene, which encodes an RNA molecule that does not result in a protein product. This variant is present in population databases (rs749380587, gnomAD 0.02%). This variant has not been reported in the literature in individuals affected with SNORD118-related conditions. ClinVar contains an entry for this variant (Variation ID: 1896784). Experimental studies and prediction algorithms are not available or were not evaluated, and the functional significance of this variant is currently unknown. In summary, the available evidence is currently insufficient to determine the role of this variant in disease. Therefore, it has been classified as a Variant of Uncertain Significance.

Blueprint Genetics
Classification: Uncertain significance. Last evaluated: 2024-11-27. Review status: criteria provided, single submitter. Criteria: ACMG Guidelines, 2015. Collection method: clinical testing. Allele origin: germline.

NR_033294.2(SNORD118):n.95C>T

Genes: SNORD118 (small nucleolar RNA, C/D box 118; minus strand), TMEM107 (transmembrane protein 107; minus strand). Cytogenetic location: 17p13.1.
Variant type: single nucleotide variant.
Molecular consequence: non-coding transcript variant (on NR_033294.2). On other transcripts: 3 prime UTR variant (5).
Genome position: GRCh38 VCF-style: chr17-8173494-G-A. GRCh37 (hg19) VCF-style: chr17-8076812-G-A.
Other names: c.*709C>T (NM_001351278.2, NM_001351279.2, NM_001351280.2 and 2 more transcripts).
Identifiers: ClinVar variation 1896784 (VCV001896784.6), dbSNP rs749380587, ClinGen allele CA8370641.